The following is an entry in ClinVar:

ClinVar aggregate classification (germline): Likely benign. Review status: criteria provided, multiple submitters, no conflicts (2 of 4 stars). 4 submissions from 4 submitters: Likely benign (3). 1 of the submissions does not count toward it. Last evaluated 2026-02-01.

Conditions:
UNC45B-related disorder. Also called: UNC45B-related condition.

Allele frequency attached by ClinVar (database versions not stated): 1000 Genomes Project 30x 0.00016; 1000 Genomes Project 0.00020; gnomAD 0.00098 and 0.00103; gnomAD exomes 0.00099 and 0.00135; TOPMed 0.00100; ExAC 0.00119; ESP Exome Variant Server 0.00154.
gnomAD v4.1: 2,085 of 1,613,246 alleles (0.13%); highest among the groups gnomAD compares: Non-Finnish European, 0.17%; 3 homozygotes.

Submissions (4):

CeGaT Center for Human Genetics Tuebingen
Classification: Likely benign. Last evaluated: 2026-02-01. Review status: criteria provided, single submitter. Criteria: CeGaT Center For Human Genetics Tuebingen Variant Classification Criteria Version 2. Collection method: clinical testing. Allele origin: germline. Affected: yes. Observed: 3 variant alleles.
Comment: UNC45B: BP4, BS2

Labcorp Genetics (formerly Invitae), Labcorp
Classification: Likely benign. Last evaluated: 2025-10-18. Review status: criteria provided, single submitter. Criteria: Invitae Variant Classification Sherloc (09022015). Collection method: clinical testing. Allele origin: germline.

GeneDx
Classification: Likely benign. Last evaluated: 2020-12-02. Review status: criteria provided, single submitter. Criteria: GeneDx Variant Classification Process June 2021. Collection method: clinical testing. Allele origin: germline. Affected: yes.

PreventionGenetics, part of Exact Sciences
Classification: Likely benign for UNC45B-related condition. Last evaluated: 2022-11-29. Review status: no assertion criteria provided. Collection method: clinical testing. Allele origin: germline. Not counted in ClinVar's aggregate classification.
Comment: This variant is classified as likely benign based on ACMG/AMP sequence variant interpretation guidelines (Richards et al. 2015 PMID: 25741868, with internal and published modifications).

NM_001267052.2(UNC45B):c.977A>G (p.Asn326Ser)

Gene: UNC45B (unc-45 myosin chaperone B; plus strand). Cytogenetic location: 17q12.
Variant type: single nucleotide variant.
Coding change: c.977A>G on transcript NM_001267052.2 (MANE Select); coding-DNA position 977, A replaced by G.
Protein change: p.Asn326Ser; replaces asparagine 326 with serine.
Molecular consequence: missense variant.
Genome position (GRCh38, 1-based): chr17:35,159,543, A>G. VCF-style: chr17-35159543-A-G. GRCh37 (hg19) VCF-style: chr17-33486562-A-G.
Other names: c.977A>G, p.Asn326Ser (NM_001033576.2, NM_001308281.1, NM_173167.3); short protein forms N326S.
Identifiers: ClinVar variation 1203178 (VCV001203178.26), dbSNP rs145486318, ClinGen allele CA8500989.